The following is an entry in ClinVar:

NM_000465.4(BARD1):c.634_635delinsCT (p.Ala212Leu)

Gene: BARD1 (BRCA1 associated RING domain 1; minus strand). Cytogenetic location: 2q35.
Variant type: Indel.
Coding change: c.634_635delinsCT on transcript NM_000465.4 (MANE Select); coding-DNA positions 634 to 635, GC replaced by CT.
Protein change: p.Ala212Leu; replaces alanine 212 with leucine.
Molecular consequence: missense variant. On other transcripts: non-coding transcript variant (2), intron variant (3).
Genome position (GRCh38, 1-based): chr2:214,781,239-214,781,240, GC replaced by AG on the plus strand (GC replaced by CT on the coding strand, the reverse complement: BARD1 is on the minus strand). VCF-style: chr2-214781239-GC-AG. GRCh37 (hg19) VCF-style: chr2-215645963-GC-AG.
Other names: c.577_578delinsCT, p.Ala193Leu (NM_001282543.2); c.158+28172_158+28173delinsCT (NM_001282548.2); c.215+15821_215+15822delinsCT (NM_001282545.2); c.364+11057_364+11058delinsCT (NM_001282549.2); short protein forms A212L, A193L.
Identifiers: ClinVar variation 2704938 (VCV002704938.3), dbSNP rs2469510767, ClinGen allele CA2697550342.

ClinVar aggregate classification (germline): Uncertain significance (1 of 4 stars; one submission).

Conditions:
Familial cancer of breast. Also called: Hereditary breast cancer; BREAST CANCER, FAMILIAL; hereditary breast carcinoma. Identifiers: Orphanet 227535, MedGen C0346153, MONDO:0016419, OMIM 114480. Disease mechanism: loss of function.

Submission:

Labcorp Genetics (formerly Invitae), Labcorp
Classification: Uncertain significance for Familial cancer of breast. Last evaluated: 2023-12-31. Review status: criteria provided, single submitter. Criteria: Invitae Variant Classification Sherloc (09022015). Collection method: clinical testing. Allele origin: germline.
Comment: This sequence change replaces alanine, which is neutral and non-polar, with leucine, which is neutral and non-polar, at codon 212 of the BARD1 protein (p.Ala212Leu). Information on the frequency of this variant in the gnomAD database is not available, as this variant may be reported differently in the database. This variant has not been reported in the literature in individuals affected with BARD1-related conditions. An algorithm developed to predict the effect of missense changes on protein structure and function (PolyPhen-2) suggests that this variant is likely to be tolerated. In summary, the available evidence is currently insufficient to determine the role of this variant in disease. Therefore, it has been classified as a Variant of Uncertain Significance.